The following is an entry in ClinVar:

ClinVar aggregate classification (germline): Uncertain significance. Review status: criteria provided, multiple submitters, no conflicts (2 of 4 stars). 2 submissions from 2 submitters: Uncertain significance (2). Last evaluated 2025-08-06.

Conditions:
Hypersulfaturia (HYSULF). Identifiers: MedGen C5830511, MONDO:0957268, OMIM 620372.
Nephrolithiasis susceptibility caused by SLC26A1 (CAON1). Also called: NEPHROLITHIASIS, CALCIUM OXALATE, 1. Identifiers: MedGen C5779632, MONDO:0020722, OMIM 167030.

Allele frequency attached by ClinVar (database versions not stated): gnomAD 0.00003; TOPMed 0.00003; ESP Exome Variant Server 0.00008; 1000 Genomes Project 30x 0.00016; 1000 Genomes Project 0.00020.
gnomAD v4.1: 47 of 1,584,154 alleles (0.003%); highest among the groups gnomAD compares: East Asian, 0.021%; no homozygotes.

Submissions (2):

Labcorp Genetics (formerly Invitae), Labcorp
Classification: Uncertain significance. Last evaluated: 2025-08-06. Review status: criteria provided, single submitter. Criteria: Invitae Variant Classification Sherloc (09022015). Collection method: clinical testing. Allele origin: germline.
Comment: This sequence change replaces glycine, which is neutral and non-polar, with arginine, which is basic and polar, at codon 638 of the SLC26A1 protein (p.Gly638Arg). This variant is present in population databases (rs375317028, gnomAD 0.06%). This variant has not been reported in the literature in individuals affected with SLC26A1-related conditions. ClinVar contains an entry for this variant (Variation ID: 2894560). Invitae Evidence Modeling of protein sequence and biophysical properties (such as structural, functional, and spatial information, amino acid conservation, physicochemical variation, residue mobility, and thermodynamic stability) indicates that this missense variant is not expected to disrupt SLC26A1 protein function with a negative predictive value of 80%. In summary, the available evidence is currently insufficient to determine the role of this variant in disease. Therefore, it has been classified as a Variant of Uncertain Significance.

Fulgent Genetics
Classification: Uncertain significance for Nephrolithiasis susceptibility caused by SLC26A1; Hypersulfaturia. Last evaluated: 2024-05-09. Review status: criteria provided, single submitter. Criteria: ACMG Guidelines, 2015. Collection method: clinical testing. Allele origin: germline.

NM_022042.4(SLC26A1):c.1912G>A (p.Gly638Arg)

Genes: IDUA (alpha-L-iduronidase; plus strand), SLC26A1 (solute carrier family 26 member 1; minus strand). Cytogenetic location: 4p16.3.
Variant type: single nucleotide variant.
Coding change: c.1912G>A on transcript NM_022042.4 (MANE Select); coding-DNA position 1912, G replaced by A.
Protein change: p.Gly638Arg; replaces glycine 638 with arginine.
Molecular consequence: missense variant. On other transcripts: intron variant (2).
Genome position (GRCh38, 1-based): chr4:989,027, C>T on the plus strand (G>A on the coding strand, the complement: SLC26A1 is on the minus strand). VCF-style: chr4-989027-C-T. GRCh37 (hg19) VCF-style: chr4-982815-C-T.
Other names: c.1912G>A, p.Gly638Arg (NM_213613.4); c.576+2101G>A (NM_134425.4); c.299+1078C>T (NM_000203.5); short protein forms G638R.
Identifiers: ClinVar variation 2894560 (VCV002894560.4), dbSNP rs375317028, ClinGen allele CA2801227.